The following is an entry in ClinVar:

NM_000506.5(F2):c.717C>T (p.Ser239=)

Gene: F2 (coagulation factor II, thrombin; plus strand). Cytogenetic location: 11p11.2.
Variant type: single nucleotide variant.
Coding change: c.717C>T on transcript NM_000506.5 (MANE Select); coding-DNA position 717, C replaced by T.
Protein change: p.Ser239=; no amino-acid change (serine 239 retained).
Molecular consequence: synonymous variant.
Genome position (GRCh38, 1-based): chr11:46,726,016, C>T. VCF-style: chr11-46726016-C-T. GRCh37 (hg19) VCF-style: chr11-46747566-C-T.
Other names: c.717C>T (NM_000506.3).
Identifiers: ClinVar variation 2886351 (VCV002886351.8), dbSNP rs768979247, ClinGen allele CA5967044.

ClinVar aggregate classification (germline): Likely benign. Review status: criteria provided, multiple submitters, no conflicts (2 of 4 stars). 3 submissions from 3 submitters: Likely benign (3). Last evaluated 2026-03-01.

Conditions:
Inborn genetic diseases. Identifiers: MedGen C0950123, MeSH D030342.
Congenital prothrombin deficiency. Also called: HYPOPROTHROMBINEMIA; Factor II deficiency; Inherited hypoprothrombinemia; Congenital factor II deficiency; Inherited prothrombin deficiency; Hereditary factor II deficiency disease. Identifiers: Orphanet 325, MedGen C0272317, MONDO:0013361, OMIM 613679.

Allele frequency attached by ClinVar (database versions not stated): ExAC 0.00001; gnomAD 0.00001; gnomAD exomes 0.00001; TOPMed 0.00002.
gnomAD v4.1: 23 of 1,613,902 alleles (0.0014%); highest among the groups gnomAD compares: Middle Eastern, 0.049%; no homozygotes.

Submissions (3):

CeGaT Center for Human Genetics Tuebingen
Classification: Likely benign. Last evaluated: 2026-03-01. Review status: criteria provided, single submitter. Criteria: CeGaT Center For Human Genetics Tuebingen Variant Classification Criteria Version 2. Collection method: clinical testing. Allele origin: germline. Affected: yes. Observed: 1 variant allele.
Comment: F2: BP4, BP7

Ambry Genetics
Classification: Likely benign for Inborn genetic diseases. Last evaluated: 2025-01-18. Review status: criteria provided, single submitter. Criteria: Ambry Variant Classification Scheme 2023. Collection method: clinical testing. Allele origin: germline.

Labcorp Genetics (formerly Invitae), Labcorp
Classification: Likely benign for Congenital prothrombin deficiency. Last evaluated: 2024-05-16. Review status: criteria provided, single submitter. Criteria: Invitae Variant Classification Sherloc (09022015). Collection method: clinical testing. Allele origin: germline.